The following is an entry in ClinVar:

ClinVar aggregate classification (germline): Pathogenic. Review status: reviewed by expert panel (3 of 4 stars). 2 submissions from 2 submitters: Pathogenic (1). 1 of the submissions does not count toward it. Last evaluated 2016-09-08.

Conditions:
Breast-ovarian cancer, familial, susceptibility to, 2 (BROVCA2). Also called: BRCA2 Hereditary Breast and Ovarian Cancer. Identifiers: Orphanet 145, MedGen C2675520, MONDO:0012933, OMIM 612555. Disease mechanism: loss of function.

Submissions (2):

Evidence-based Network for the Interpretation of Germline Mutant Alleles (ENIGMA)
Classification: Pathogenic for Breast-ovarian cancer, familial, susceptibility to, 2. Last evaluated: 2016-09-08. Review status: reviewed by expert panel. Criteria: ENIGMA BRCA1/2 Classification Criteria (2015). Collection method: curation. Allele origin: germline.
Comment: Variant allele predicted to encode a truncated non-functional protein.

Breast Cancer Information Core (BIC) (BRCA2)
Classification: Pathogenic for Breast-ovarian cancer, familial 2. Last evaluated: 2010-10-28. Review status: no assertion criteria provided. Collection method: clinical testing. Allele origin: germline. Affected: yes. Observed: 1 variant allele. Not counted in ClinVar's aggregate classification.

NM_000059.4(BRCA2):c.2439dup (p.Pro814fs)

Gene: BRCA2 (BRCA2 DNA repair associated; plus strand). Cytogenetic location: 13q13.1.
Variant type: Duplication.
Coding change: c.2439dup on transcript NM_000059.4 (MANE Select); coding-DNA position 2439, one base duplicated (T; older notation c.2439dupT).
Protein change: p.Pro814fs; shifts the reading frame from proline 814.
Molecular consequence: frameshift variant.
Genome position (GRCh38, 1-based): chr13:32,336,794, T duplicated; the last of 2 consecutive T bases (chr13:32,336,793-32,336,794); duplicating either gives the same sequence. VCF-style (leftmost placement, unchanged base first): chr13-32336792-A-AT. GRCh37 (hg19) VCF-style: chr13-32910929-A-AT.
Other names: 2667insT; c.2439dupT (NM_000059.3); short protein forms P814fs.
Identifiers: ClinVar variation 125981 (VCV000125981.4), dbSNP rs276174822, ClinGen allele CA015262.